The following is an entry in ClinVar:

ClinVar aggregate classification (germline): Uncertain significance (1 of 4 stars; one submission).

Conditions:
Congenital myotonia, autosomal dominant form (THD). Also called: THOMSEN DISEASE; Myotonia congenita autosomal dominant. Identifiers: Orphanet 614, MedGen C2936781, MONDO:0008055, OMIM 160800.
Congenital myotonia, autosomal recessive form. Also called: Becker Generalized Myotonia; myotonia congenita, autosomal recessive; BECKER DISEASE. Identifiers: Orphanet 614, MedGen C0751360, MONDO:0009715, OMIM 255700.

Submission:

Labcorp Genetics (formerly Invitae), Labcorp
Classification: Uncertain significance for Congenital myotonia, autosomal recessive form; Congenital myotonia, autosomal dominant form. Last evaluated: 2024-11-05. Review status: criteria provided, single submitter. Criteria: Invitae Variant Classification Sherloc (09022015). Collection method: clinical testing. Allele origin: germline.
Comment: This sequence change replaces isoleucine, which is neutral and non-polar, with serine, which is neutral and polar, at codon 767 of the CLCN1 protein (p.Ile767Ser). This variant is not present in population databases (gnomAD no frequency). This variant has not been reported in the literature in individuals affected with CLCN1-related conditions. Invitae Evidence Modeling of protein sequence and biophysical properties (such as structural, functional, and spatial information, amino acid conservation, physicochemical variation, residue mobility, and thermodynamic stability) indicates that this missense variant is not expected to disrupt CLCN1 protein function with a negative predictive value of 95%. In summary, the available evidence is currently insufficient to determine the role of this variant in disease. Therefore, it has been classified as a Variant of Uncertain Significance.

NM_000083.3(CLCN1):c.2300T>G (p.Ile767Ser)

Gene: CLCN1 (chloride voltage-gated channel 1; plus strand). Cytogenetic location: 7q34.
Variant type: single nucleotide variant.
Coding change: c.2300T>G on transcript NM_000083.3 (MANE Select); coding-DNA position 2300, T replaced by G.
Protein change: p.Ile767Ser; replaces isoleucine 767 with serine.
Molecular consequence: missense variant. On other transcripts: non-coding transcript variant (1).
Genome position (GRCh38, 1-based): chr7:143,346,594, T>G. VCF-style: chr7-143346594-T-G. GRCh37 (hg19) VCF-style: chr7-143043687-T-G.
Other names: short protein forms I767S.
Identifiers: ClinVar variation 3763748 (VCV003763748.2).